The following is an entry in ClinVar:

NM_024921.4(POF1B):c.*44T>G

Gene: POF1B (POF1B actin binding protein; minus strand). Cytogenetic location: Xq21.1.
Variant type: single nucleotide variant.
Coding change: c.*44T>G on transcript NM_024921.4 (MANE Select); 44 bases downstream of the stop codon, T replaced by G.
Molecular consequence: 3 prime UTR variant.
Genome position (GRCh38, 1-based): chrX:85,279,377, A>C on the plus strand (T>G on the coding strand, the complement: POF1B is on the minus strand). VCF-style: chrX-85279377-A-C. GRCh37 (hg19) VCF-style: chrX-84534383-A-C.
Identifiers: ClinVar variation 368780 (VCV000368780.8), dbSNP rs2227090, ClinGen allele CA10464855.

ClinVar aggregate classification (germline): Benign. Review status: criteria provided, multiple submitters, no conflicts (2 of 4 stars). 3 submissions from 3 submitters: Benign (3). Last evaluated 2021-10-25.

Conditions:
Premature ovarian failure 2B. Identifiers: MedGen C1845105, MONDO:0010373, OMIM 300604.

Allele frequency attached by ClinVar (database versions not stated): ExAC 0.62123; gnomAD exomes 0.98272; 1000 Genomes Project 0.98861; ESP Exome Variant Server 0.99412; TOPMed 0.99589; gnomAD 0.99606; 1000 Genomes Project 30x 0.99792.

Submissions (3):

Genome-Nilou Lab
Classification: Benign for Premature ovarian failure 2B. Last evaluated: 2021-10-25. Review status: criteria provided, single submitter. Criteria: ACMG Guidelines, 2015. Collection method: clinical testing. Allele origin: germline. Affected: no.

Illumina Laboratory Services, Illumina
Classification: Benign for Premature ovarian failure 2B. Last evaluated: 2018-01-12. Review status: criteria provided, single submitter. Criteria: ICSL Variant Classification Criteria 13 December 2019. Collection method: clinical testing. Allele origin: germline.
Comment: This variant was observed in the ICSL laboratory as part of a predisposition screen in an ostensibly healthy population. It had not been previously curated by ICSL or reported in the Human Gene Mutation Database (HGMD: prior to June 1st, 2018), and was therefore a candidate for classification through an automated scoring system. Utilizing variant allele frequency, disease prevalence and penetrance estimates, and inheritance mode, an automated score was calculated to assess if this variant is too frequent to cause the disease. Based on the score and internal cut-off values, a variant classified as benign is not then subjected to further curation. The score for this variant resulted in a classification of benign for this disease.

Breakthrough Genomics
Classification: Benign. Review status: criteria provided, single submitter. Criteria: ACMG Guidelines, 2015. Collection method: not provided. Allele origin: germline. Inheritance: X-linked inheritance. Affected: yes.